The following is an entry in ClinVar:

ClinVar aggregate classification (germline): Likely benign (1 of 4 stars; one submission).

Submission:

Mayo Clinic Laboratories, Mayo Clinic
Classification: Likely benign. Last evaluated: 2025-06-25. Review status: criteria provided, single submitter. Criteria: ACMG Guidelines, 2015. Collection method: clinical testing. Allele origin: germline. Observed: 1 variant allele.
Comment: BP4, BP7, PM2_supporting

NM_001130144.3(LTBP3):c.1720+9C>G

Gene: LTBP3 (latent transforming growth factor beta binding protein 3; minus strand). Cytogenetic location: 11q13.1.
Variant type: single nucleotide variant.
Coding change: c.1720+9C>G on transcript NM_001130144.3 (MANE Select); 9 bases into the intron after coding-DNA position 1720, C replaced by G.
Molecular consequence: intron variant.
Genome position (GRCh38, 1-based): chr11:65,551,117, G>C on the plus strand (C>G on the coding strand, the complement: LTBP3 is on the minus strand). VCF-style: chr11-65551117-G-C. GRCh37 (hg19) VCF-style: chr11-65318588-G-C.
Other names: p.?; c.1369+9C>G (NM_001164266.1); c.1720+9C>G (NM_021070.4).
Identifiers: ClinVar variation 4683636 (VCV004683636.1).
Genomic context (GRCh38, chr11:65,551,117, plus strand): 5'-GGAGGGAGGAGAGAAAACTAAAGTGGGGGCGTGGCCTAGGCAGGGGTGGCTTTGCTGGGC[G>C]GGCCTTACCTGTGACCTGAGTGGGAGCGATCTCTACGGCGCTGCGGGAAGGAGGCAAGTC-3'